The following is an entry in ClinVar:

NM_002303.6(LEPR):c.2213-9T>C

Gene: LEPR (leptin receptor; plus strand). Cytogenetic location: 1p31.3.
Variant type: single nucleotide variant.
Coding change: c.2213-9T>C on transcript NM_002303.6 (MANE Select); 9 bases into the intron before coding-DNA position 2213, T replaced by C.
Molecular consequence: intron variant.
Genome position (GRCh38, 1-based): chr1:65,617,955, T>C. VCF-style: chr1-65617955-T-C. GRCh37 (hg19) VCF-style: chr1-66083638-T-C.
Other names: c.2213-9T>C (NM_001003679.3, NM_001003680.3, NM_001198689.2 and 2 more transcripts).
Identifiers: ClinVar variation 3355386 (VCV003355386.1).

ClinVar aggregate classification (germline): Likely benign (0 of 4 stars; one submission).

Conditions:
LEPR-related disorder. Also called: LEPR-related condition; LEPR-related disorders.

Submission:

PreventionGenetics, part of Exact Sciences
Classification: Likely benign for LEPR-related condition. Last evaluated: 2021-10-13. Review status: no assertion criteria provided. Collection method: clinical testing. Allele origin: germline.
Comment: This variant is classified as likely benign based on ACMG/AMP sequence variant interpretation guidelines (Richards et al. 2015 PMID: 25741868, with internal and published modifications).